The following is an entry in ClinVar:

ClinVar aggregate classification (germline): Pathogenic (1 of 4 stars; one submission).

Submission:

GeneDx
Classification: Pathogenic. Last evaluated: 2017-08-08. Review status: criteria provided, single submitter. Criteria: GeneDx Variant Classification (06012015). Collection method: clinical testing. Allele origin: germline. Affected: yes.
Comment: The Q936X variant in the ATP1A3 gene has not been reported previously as a pathogenic variant nor as a benign variant, to our knowledge. This variant is predicted to cause loss of normal protein function either through protein truncation or nonsense-mediated mRNA decay. The ATP1A3 variant is not observed in large population cohorts (Lek et al., 2016; 1000 Genomes Consortium et al., 2015; Exome Variant Server). We interpret ATP1A3 as a pathogenic variant.

NM_152296.5(ATP1A3):c.2806C>T (p.Gln936Ter)

Gene: ATP1A3 (ATPase Na+/K+ transporting subunit alpha 3; minus strand). Cytogenetic location: 19q13.2.
Variant type: single nucleotide variant.
Coding change: c.2806C>T on transcript NM_152296.5 (MANE Select); coding-DNA position 2806, C replaced by T.
Protein change: p.Gln936Ter; replaces glutamine 936 with a stop codon.
Molecular consequence: nonsense.
Genome position (GRCh38, 1-based): chr19:41,968,798, G>A on the plus strand (C>T on the coding strand, the complement: ATP1A3 is on the minus strand). VCF-style: chr19-41968798-G-A. GRCh37 (hg19) VCF-style: chr19-42472950-G-A.
Other names: c.2839C>T, p.Gln947Ter (NM_001256213.2); c.2845C>T, p.Gln949Ter (NM_001256214.2); short protein forms Q936*, Q949*, Q947*.
Identifiers: ClinVar variation 451130 (VCV000451130.2), dbSNP rs1555859144, ClinGen allele CA406035807.